The following is an entry in ClinVar:

NM_001350709.2(DGKB):c.70+4A>G

Gene: DGKB (diacylglycerol kinase beta; minus strand). Cytogenetic location: 7p21.2.
Variant type: single nucleotide variant.
Coding change: c.70+4A>G on transcript NM_001350709.2 (MANE Select); 4 bases into the intron after coding-DNA position 70, A replaced by G.
Molecular consequence: intron variant.
Genome position (GRCh38, 1-based): chr7:14,841,190, T>C on the plus strand (A>G on the coding strand, the complement: DGKB is on the minus strand). VCF-style: chr7-14841190-T-C. GRCh37 (hg19) VCF-style: chr7-14880815-T-C.
Other names: NC_000007.13:g.14880815T>C; c.-22+4A>G (NM_001350722.2, NM_001350724.2, NM_001350723.2); c.70+4A>G (NM_001350711.2, NM_001350717.2, NM_001350707.2 and 12 more transcripts).
Identifiers: ClinVar variation 3770481 (VCV003770481.14).

ClinVar aggregate classification (germline): Likely benign (1 of 4 stars; one submission).

gnomAD v4.1: 8,569 of 1,609,674 alleles (0.53%); highest among the groups gnomAD compares: Non-Finnish European, 0.65%; 31 homozygotes.

Submissions (4):

CeGaT Center for Human Genetics Tuebingen
Classification: Likely benign. Last evaluated: 2024-12-01. Review status: criteria provided, single submitter. Criteria: CeGaT Center For Human Genetics Tuebingen Variant Classification Criteria Version 2. Collection method: clinical testing. Allele origin: germline. Affected: yes. Observed: 1 variant allele.
Comment: DGKB: BP4, BS2

Dr. Peter K. Rogan Lab, Western University
No classification provided (evidence only). Condition: Clear cell carcinoma of kidney. Review status: no classification provided. Collection method: in vitro. Allele origin: not applicable. Functional consequence: retained intron. Not counted in ClinVar's aggregate classification.

Dr. Peter K. Rogan Lab, Western University
No classification provided (evidence only). Condition: Nonpapillary renal cell carcinoma. Review status: no classification provided. Collection method: in vitro. Allele origin: not applicable. Functional consequence: retained intron. Not counted in ClinVar's aggregate classification.

Dr. Peter K. Rogan Lab, Western University
No classification provided (evidence only). Condition: Ovarian cancer. Review status: no classification provided. Collection method: in vitro. Allele origin: not applicable. Functional consequence: retained intron. Not counted in ClinVar's aggregate classification.